The following is an entry in ClinVar:

ClinVar aggregate classification (germline): Uncertain significance (1 of 4 stars; one submission).

Allele frequency attached by ClinVar (database versions not stated): gnomAD exomes below 0.00001.
gnomAD v4.1: 1 of 1,614,040 alleles (0.000062%); highest among the groups gnomAD compares: Non-Finnish European, 0.000085%; no homozygotes.

Submission:

Labcorp Genetics (formerly Invitae), Labcorp
Classification: Uncertain significance. Last evaluated: 2024-10-22. Review status: criteria provided, single submitter. Criteria: Invitae Variant Classification Sherloc (09022015). Collection method: clinical testing. Allele origin: germline.
Comment: This sequence change replaces valine, which is neutral and non-polar, with leucine, which is neutral and non-polar, at codon 13 of the RPL27 protein (p.Val13Leu). This variant is present in population databases (no rsID available, gnomAD 0.0009%). This variant has not been reported in the literature in individuals affected with RPL27-related conditions. ClinVar contains an entry for this variant (Variation ID: 2008104). An algorithm developed to predict the effect of missense changes on protein structure and function (PolyPhen-2) suggests that this variant is likely to be tolerated. In summary, the available evidence is currently insufficient to determine the role of this variant in disease. Therefore, it has been classified as a Variant of Uncertain Significance.

NM_000988.5(RPL27):c.37G>C (p.Val13Leu)

Genes: RPL27 (ribosomal protein L27; plus strand), LOC126862570 (CDK7 strongly-dependent group 2 enhancer GRCh37_chr17:41149993-41151192; plus strand). Cytogenetic location: 17q21.31.
Variant type: single nucleotide variant.
Coding change: c.37G>C on transcript NM_000988.5 (MANE Select); coding-DNA position 37, G replaced by C.
Protein change: p.Val13Leu; replaces valine 13 with leucine.
Molecular consequence: missense variant. On other transcripts: non-coding transcript variant (1).
Genome position (GRCh38, 1-based): chr17:42,998,787, G>C. VCF-style: chr17-42998787-G-C. GRCh37 (hg19) VCF-style: chr17-41150804-G-C.
Other names: c.37G>C, p.Val13Leu (NM_001349921.2, NM_001349922.2); short protein forms V13L.
Identifiers: ClinVar variation 2008104 (VCV002008104.4), dbSNP rs1289898955, ClinGen allele CA399675822.